The following is an entry in ClinVar:

NM_001378964.1(CDON):c.2665C>A (p.His889Asn)

Gene: CDON (cell adhesion associated, oncogene regulated; minus strand). Cytogenetic location: 11q24.2.
Variant type: single nucleotide variant.
Coding change: c.2665C>A on transcript NM_001378964.1 (MANE Select); coding-DNA position 2665, C replaced by A.
Protein change: p.His889Asn; replaces histidine 889 with asparagine.
Molecular consequence: missense variant.
Genome position (GRCh38, 1-based): chr11:125,989,745, G>T on the plus strand (C>A on the coding strand, the complement: CDON is on the minus strand). VCF-style: chr11-125989745-G-T. GRCh37 (hg19) VCF-style: chr11-125859640-G-T.
Other names: c.2665C>A, p.His889Asn (NM_001243597.3, NM_016952.6); short protein forms H889N.
Identifiers: ClinVar variation 2503242 (VCV002503242.1), dbSNP rs2497062658, ClinGen allele CA383202848.

ClinVar aggregate classification (germline): Uncertain significance (1 of 4 stars; one submission).

Submission:

GeneDx
Classification: Uncertain significance. Last evaluated: 2022-11-29. Review status: criteria provided, single submitter. Criteria: GeneDx Variant Classification Process June 2021. Collection method: clinical testing. Allele origin: germline. Affected: yes.
Comment: Not observed at significant frequency in large population cohorts (gnomAD); In silico analysis supports that this missense variant has a deleterious effect on protein structure/function; Has not been previously published as pathogenic or benign to our knowledge